The following is an entry in ClinVar:

NM_001127208.3(TET2):c.674T>C (p.Leu225Pro)

Genes: TET2 (tet methylcytosine dioxygenase 2; plus strand), TET2-AS1 (TET2 antisense RNA 1; minus strand). Cytogenetic location: 4q24.
Variant type: single nucleotide variant.
Coding change: c.674T>C on transcript NM_001127208.3 (MANE Select); coding-DNA position 674, T replaced by C.
Protein change: p.Leu225Pro; replaces leucine 225 with proline.
Molecular consequence: missense variant.
Genome position (GRCh38, 1-based): chr4:105,234,616, T>C. VCF-style: chr4-105234616-T-C. GRCh37 (hg19) VCF-style: chr4-106155773-T-C.
Other names: c.674T>C, p.Leu225Pro (NM_017628.4); short protein forms L225P.
Identifiers: ClinVar variation 2654998 (VCV002654998.24), dbSNP rs780475086, ClinGen allele CA3031542.

ClinVar aggregate classification (germline): Uncertain significance (1 of 4 stars; one submission).

Allele frequency attached by ClinVar (database versions not stated): gnomAD exomes below 0.00001; ExAC 0.00001.
gnomAD v4.1: 1 of 1,614,076 alleles (0.000062%); highest among the groups gnomAD compares: Non-Finnish European, 0.000085%; no homozygotes.

Submission:

CeGaT Center for Human Genetics Tuebingen
Classification: Uncertain significance. Last evaluated: 2022-03-01. Review status: criteria provided, single submitter. Criteria: CeGaT Center For Human Genetics Tuebingen Variant Classification Criteria Version 2. Collection method: clinical testing. Allele origin: germline. Affected: yes. Observed: 1 variant allele.
Comment: TET2: PM2